The following is an entry in ClinVar:

ClinVar aggregate classification (germline): Likely benign (1 of 4 stars; one submission).

Conditions:
Multiple sulfatase deficiency (MSD). Also called: Mucosulfatidosis; Multiple Sulfatase Deficiency Disease; Sulfatidosis, Juvenile, Austin Type. Identifiers: Orphanet 585, MedGen C0268263, MONDO:0010088, OMIM 272200.

Allele frequency attached by ClinVar (database versions not stated): TOPMed 0.00085; gnomAD 0.00129 and 0.00145; 1000 Genomes Project 30x 0.00187; 1000 Genomes Project 0.00240; gnomAD exomes 0.00685.
gnomAD v4.1: 220 of 152,704 alleles (0.14%); highest among the groups gnomAD compares: East Asian, 1.7%; 2 homozygotes.

Submission:

Illumina Laboratory Services, Illumina
Classification: Likely benign for Multiple sulfatase deficiency. Last evaluated: 2018-01-13. Review status: criteria provided, single submitter. Criteria: ICSL Variant Classification Criteria 13 December 2019. Collection method: clinical testing. Allele origin: germline.
Comment: This variant was observed in the ICSL laboratory as part of a predisposition screen in an ostensibly healthy population. It had not been previously curated by ICSL or reported in the Human Gene Mutation Database (HGMD: prior to June 1st, 2018), and was therefore a candidate for classification through an automated scoring system. Utilizing variant allele frequency, disease prevalence and penetrance estimates, and inheritance mode, an automated score was calculated to assess if this variant is too frequent to cause the disease. Based on the score and internal cut-off values, a variant classified as likely benign is not then subjected to further curation. The score for this variant resulted in a classification of likely benign for this disease.

NM_182760.4(SUMF1):c.*836C>G

Gene: SUMF1 (sulfatase modifying factor 1; minus strand). Cytogenetic location: 3p26.1.
Variant type: single nucleotide variant.
Coding change: c.*836C>G on transcript NM_182760.4 (MANE Select); 836 bases downstream of the stop codon, C replaced by G.
Molecular consequence: 3 prime UTR variant.
Genome position (GRCh38, 1-based): chr3:4,361,308, G>C on the plus strand (C>G on the coding strand, the complement: SUMF1 is on the minus strand). VCF-style: chr3-4361308-G-C. GRCh37 (hg19) VCF-style: chr3-4402992-G-C.
Other names: c.*836C>G (NM_001164674.2, NM_001164675.2).
Identifiers: ClinVar variation 345290 (VCV000345290.5), dbSNP rs140229372, ClinGen allele CA10616418.
Genomic context (GRCh38, chr3:4,361,308, plus strand): 5'-ACCCTGAATATAGCTCATTCAAGGTCCTCGTTCCTTTTTCCCTATATCTAGAATTAAACA[G>C]GTTTCCCCGTTTAGCGCACATTTCACGTTCGCTGAAGGCTTTGGGGAGAGGGGGAAACAG-3'